The following is an entry in ClinVar:

ClinVar aggregate classification (germline): Likely pathogenic (1 of 4 stars; one submission).

Conditions:
QRICH1-related neurodevelopmental disorder.

Submission:

Rady Children's Institute for Genomic Medicine, Rady Children's Hospital San Diego
Classification: Likely pathogenic for QRICH1-related neurodevelopmental disorder. Last evaluated: 2025-09-25. Review status: criteria provided, single submitter. Criteria: ACMG Guidelines, 2015. Collection method: clinical testing. Allele origin: germline. Affected: yes.
Comment: This nonsense variant found in exon 2 of 10 is predicted to result in loss of normal protein function through either protein truncation or nonsense-mediated mRNA decay. Loss-of-function variation is an established mechanism of disease in QRICH1-related neurodevelopmental disorder (PMID: 28692176, 30281152, 33009816, 33738978, 37331002, 34859529). This variant has not been previously reported or functionally characterized in the literature to our knowledge. The c.169C>T (p.Gln57Ter) variant is absent from the latest version of the gnomAD population database and thus is presumed to be rare. Based on the available evidence, c.169C>T (p.Gln57Ter) is classified as Likely Pathogenic.

Literature cited by the submitters: PubMed 28692176; PubMed 30281152; PubMed 33009816; PubMed 33738978; PubMed 34859529; PubMed 37331002.

NM_198880.3(QRICH1):c.169C>T (p.Gln57Ter)

Gene: QRICH1 (glutamine rich 1; minus strand). Cytogenetic location: 3p21.31.
Variant type: single nucleotide variant.
Coding change: c.169C>T on transcript NM_198880.3 (MANE Select); coding-DNA position 169, C replaced by T.
Protein change: p.Gln57Ter; replaces glutamine 57 with a stop codon.
Molecular consequence: nonsense.
Genome position (GRCh38, 1-based): chr3:49,076,849, G>A on the plus strand (C>T on the coding strand, the complement: QRICH1 is on the minus strand). VCF-style: chr3-49076849-G-A. GRCh37 (hg19) VCF-style: chr3-49114282-G-A.
Other names: c.169C>T, p.Gln57Ter (NM_001320580.2, NM_001320581.2, NM_001320582.2 and 4 more transcripts); short protein forms Q57*.
Identifiers: ClinVar variation 4814232 (VCV004814232.1).